The following is an entry in ClinVar:

NM_000481.4(AMT):c.178C>T (p.Gln60Ter)

Gene: AMT (aminomethyltransferase; minus strand). Cytogenetic location: 3p21.31.
Variant type: single nucleotide variant.
Coding change: c.178C>T on transcript NM_000481.4 (MANE Select); coding-DNA position 178, C replaced by T.
Protein change: p.Gln60Ter; replaces glutamine 60 with a stop codon.
Molecular consequence: nonsense. On other transcripts: non-coding transcript variant (1), intron variant (1).
Genome position (GRCh38, 1-based): chr3:49,422,184, G>A on the plus strand (C>T on the coding strand, the complement: AMT is on the minus strand). VCF-style: chr3-49422184-G-A. GRCh37 (hg19) VCF-style: chr3-49459617-G-A.
Other names: c.178C>T, p.Gln60Ter (NM_001164710.2, NM_001164712.2); c.90+177C>T (NM_001164711.2); short protein forms Q60*.
Identifiers: ClinVar variation 1070246 (VCV001070246.5), dbSNP rs2107937536, ClinGen allele CA352791175.
Genomic context (GRCh38, chr3:49,422,184, plus strand): 5'-CAAAGAGCGAGCAGTGCTGGCGTGTGTGCAGGTGCGAGTCAGTGTGACTGTCCCGGTACT[G>A]CACTGGCAGACTCCAACCCGCAAACGCCACCATTTTCCCGCCGTGGGCCAGGTGGAAGTC-3'

ClinVar aggregate classification (germline): Pathogenic (1 of 4 stars; one submission).

Conditions:
Glycine encephalopathy. Also called: Nonketotic hyperglycinemia; Non-ketotic hyperglycinemia. Identifiers: Orphanet 407, MedGen C0751748, MONDO:0011612, HP:0008288.

Allele frequency attached by ClinVar (database versions not stated): gnomAD exomes below 0.00001.

Submission:

Labcorp Genetics (formerly Invitae), Labcorp
Classification: Pathogenic for Glycine encephalopathy. Last evaluated: 2020-04-15. Review status: criteria provided, single submitter. Criteria: Invitae Variant Classification Sherloc (09022015). Collection method: clinical testing. Allele origin: germline.
Comment: This sequence change creates a premature translational stop signal (p.Gln60*) in the AMT gene. It is expected to result in an absent or disrupted protein product. For these reasons, this variant has been classified as Pathogenic. Loss-of-function variants in AMT are known to be pathogenic (PMID: 16450403). This variant has not been reported in the literature in individuals with AMT-related conditions. This variant is not present in population databases (ExAC no frequency).

Literature cited by the submitters: PubMed 16450403.